The following is an entry in ClinVar:

ClinVar aggregate classification (germline): Uncertain significance (1 of 4 stars; one submission).

gnomAD v4.1: 4 of 1,610,840 alleles (0.00025%); highest among the groups gnomAD compares: South Asian, 0.0044%; no homozygotes.

Submission:

Labcorp Genetics (formerly Invitae), Labcorp
Classification: Uncertain significance. Last evaluated: 2024-08-13. Review status: criteria provided, single submitter. Criteria: Invitae Variant Classification Sherloc (09022015). Collection method: clinical testing. Allele origin: germline.
Comment: This sequence change falls in intron 12 of the CCT2 gene. It does not directly change the encoded amino acid sequence of the CCT2 protein. It affects a nucleotide within the consensus splice site. This variant is not present in population databases (gnomAD no frequency). This variant has not been reported in the literature in individuals affected with CCT2-related conditions. Variants that disrupt the consensus splice site are a relatively common cause of aberrant splicing (PMID: 17576681, 9536098). Algorithms developed to predict the effect of sequence changes on RNA splicing suggest that this variant is not likely to affect RNA splicing. In summary, the available evidence is currently insufficient to determine the role of this variant in disease. Therefore, it has been classified as a Variant of Uncertain Significance.

Literature cited by the submitters: PubMed 17576681; PubMed 9536098.

NM_006431.3(CCT2):c.1232-3T>C

Gene: CCT2 (chaperonin containing TCP1 subunit 2; plus strand). Cytogenetic location: 12q15.
Variant type: single nucleotide variant.
Coding change: c.1232-3T>C on transcript NM_006431.3 (MANE Select); 3 bases into the intron before coding-DNA position 1232, T replaced by C.
Molecular consequence: intron variant.
Genome position (GRCh38, 1-based): chr12:69,597,965, T>C. VCF-style: chr12-69597965-T-C. GRCh37 (hg19) VCF-style: chr12-69991745-T-C.
Other names: c.1091-3T>C (NM_001198842.2).
Identifiers: ClinVar variation 3673355 (VCV003673355.2).